The following is an entry in ClinVar:

ClinVar aggregate classification (germline): Uncertain significance. Review status: criteria provided, multiple submitters, no conflicts (2 of 4 stars). 2 submissions from 2 submitters: Uncertain significance (2). Last evaluated 2025-07-30.

Submissions (2):

Mayo Clinic Laboratories, Mayo Clinic
Classification: Uncertain significance. Last evaluated: 2025-07-30. Review status: criteria provided, single submitter. Criteria: ACMG Guidelines, 2015. Collection method: clinical testing. Allele origin: germline. Observed: 1 variant allele.
Comment: PM2_supporting, PVS1_moderate

Labcorp Genetics (formerly Invitae), Labcorp
Classification: Uncertain significance. Last evaluated: 2025-07-27. Review status: criteria provided, single submitter. Criteria: Invitae Variant Classification Sherloc (09022015). Collection method: clinical testing. Allele origin: germline.
Comment: This sequence change creates a premature translational stop signal (p.Ser261*) in the USB1 gene. While this is not anticipated to result in nonsense mediated decay, it is expected to disrupt the last 5 amino acid(s) of the USB1 protein. This variant is not present in population databases (gnomAD no frequency). This variant has not been reported in the literature in individuals affected with USB1-related conditions. Experimental studies and prediction algorithms are not available or were not evaluated, and the functional significance of this variant is currently unknown. Algorithms developed to predict the effect of sequence changes on RNA splicing suggest that this variant may disrupt the consensus splice site. In summary, the available evidence is currently insufficient to determine the role of this variant in disease. Therefore, it has been classified as a Variant of Uncertain Significance.

NM_024598.4(USB1):c.782del (p.Phe260_Ser261insTer)

Gene: USB1 (U6 snRNA biogenesis phosphodiesterase 1; plus strand). Cytogenetic location: 16q21.
Variant type: Deletion.
Coding change: c.782del on transcript NM_024598.4 (MANE Select); coding-DNA position 782, one base deleted (C; older notation c.782delC).
Protein change: p.Phe260_Ser261insTer.
Molecular consequence: nonsense.
Genome position (GRCh38, 1-based): chr16:58,020,229, C deleted. VCF-style (leftmost placement, unchanged base first): chr16-58020228-TC-T. GRCh37 (hg19) VCF-style: chr16-58054132-TC-T.
Other names: p.Ser261*; c.728del, p.Phe242_Ser243insTer (NM_001195302.2); c.629del, p.Phe209_Ser210insTer (NM_001330568.2).
Identifiers: ClinVar variation 4542036 (VCV004542036.2).
Genomic context (GRCh38, chr16:58,020,228, plus strand): 5'-GAGGTGCTGCTGCGCGTGCACACTGAGCAAGTCCGCTGCAAGTCTGGGAACAAGTTCTTC[TC>T]GATGCCTTTGAAGTGAGCACCAGAGGCCTTCCTCCTCCAGGGCCCTCTGCAGACCAGGCT-3'